The following is an entry in ClinVar:

NM_000718.4(CACNA1B):c.2595C>A (p.Asp865Glu)

Gene: CACNA1B (calcium voltage-gated channel subunit alpha1 B; plus strand). Cytogenetic location: 9q34.3.
Variant type: single nucleotide variant.
Coding change: c.2595C>A on transcript NM_000718.4 (MANE Select); coding-DNA position 2595, C replaced by A.
Protein change: p.Asp865Glu; replaces aspartic acid 865 with glutamic acid.
Molecular consequence: missense variant.
Genome position (GRCh38, 1-based): chr9:138,023,338, C>A. VCF-style: chr9-138023338-C-A. GRCh37 (hg19) VCF-style: chr9-140917790-C-A.
Other names: c.2595C>A, p.Asp865Glu (NM_001243812.2); c.2595C>A (NM_000718.3); short protein forms D865E.
Identifiers: ClinVar variation 1947533 (VCV001947533.4), dbSNP rs772534614, ClinGen allele CA5376490.

ClinVar aggregate classification (germline): Uncertain significance. Review status: criteria provided, multiple submitters, no conflicts (2 of 4 stars). 2 submissions from 2 submitters: Uncertain significance (2). Last evaluated 2024-12-06.

Allele frequency attached by ClinVar (database versions not stated): gnomAD exomes below 0.00001; gnomAD 0.00001; TOPMed 0.00001; ExAC 0.00012.
gnomAD v4.1: 8 of 1,486,728 alleles (0.00054%); highest among the groups gnomAD compares: Admixed American, 0.0069%; no homozygotes.

Submissions (2):

GeneDx
Classification: Uncertain significance. Last evaluated: 2024-12-06. Review status: criteria provided, single submitter. Criteria: GeneDx Variant Classification Process June 2021. Collection method: clinical testing. Allele origin: germline. Affected: yes.
Comment: In silico analysis supports that this missense variant has a deleterious effect on protein structure/function; Has not been previously published as pathogenic or benign to our knowledge

Labcorp Genetics (formerly Invitae), Labcorp
Classification: Uncertain significance. Last evaluated: 2024-10-22. Review status: criteria provided, single submitter. Criteria: Invitae Variant Classification Sherloc (09022015). Collection method: clinical testing. Allele origin: germline.
Comment: This sequence change replaces aspartic acid, which is acidic and polar, with glutamic acid, which is acidic and polar, at codon 865 of the CACNA1B protein (p.Asp865Glu). The frequency data for this variant in the population databases is considered unreliable, as metrics indicate poor data quality at this position in the gnomAD database. This variant has not been reported in the literature in individuals affected with CACNA1B-related conditions. ClinVar contains an entry for this variant (Variation ID: 1947533). An algorithm developed to predict the effect of missense changes on protein structure and function outputs the following: PolyPhen-2: "Benign". The glutamic acid amino acid residue is found in multiple mammalian species, which suggests that this missense change does not adversely affect protein function. In summary, the available evidence is currently insufficient to determine the role of this variant in disease. Therefore, it has been classified as a Variant of Uncertain Significance.